The following is an entry in ClinVar:

NM_000217.3(KCNA1):c.608A>C (p.His203Pro)

Gene: KCNA1 (potassium voltage-gated channel subfamily A member 1; plus strand). Cytogenetic location: 12p13.32.
Variant type: single nucleotide variant.
Coding change: c.608A>C on transcript NM_000217.3 (MANE Select); coding-DNA position 608, A replaced by C.
Protein change: p.His203Pro; replaces histidine 203 with proline.
Molecular consequence: missense variant.
Genome position (GRCh38, 1-based): chr12:4,911,986, A>C. VCF-style: chr12-4911986-A-C. GRCh37 (hg19) VCF-style: chr12-5021152-A-C.
Other names: short protein forms H203P.
Identifiers: ClinVar variation 4801139 (VCV004801139.1).

ClinVar aggregate classification (germline): Uncertain significance (1 of 4 stars; one submission).

Conditions:
Episodic ataxia type 1 (EA1). Also called: Episodic ataxia/myokymia syndrome; MYOKYMIA WITH PERIODIC ATAXIA; PAROXYSMAL ATAXIA WITH NEUROMYOTONIA, HEREDITARY; ATAXIA, EPISODIC, WITH MYOKYMIA. Identifiers: Orphanet 37612, Orphanet 972, MedGen C1719788, MONDO:0008047, OMIM 160120.

gnomAD v4.1: 2 of 1,614,156 alleles (0.00012%); highest among the groups gnomAD compares: Non-Finnish European, 0.00017%; no homozygotes.

Submission:

Labcorp Genetics (formerly Invitae), Labcorp
Classification: Uncertain significance for Episodic ataxia type 1. Last evaluated: 2025-07-18. Review status: criteria provided, single submitter. Criteria: Invitae Variant Classification Sherloc (09022015). Collection method: clinical testing. Allele origin: germline.
Comment: This sequence change replaces histidine, which is basic and polar, with proline, which is neutral and non-polar, at codon 203 of the KCNA1 protein (p.His203Pro). This variant is present in population databases (no rsID available, gnomAD 0.0009%). This variant has not been reported in the literature in individuals affected with KCNA1-related conditions. Invitae Evidence Modeling of protein sequence and biophysical properties (such as structural, functional, and spatial information, amino acid conservation, physicochemical variation, residue mobility, and thermodynamic stability) indicates that this missense variant is not expected to disrupt KCNA1 protein function with a negative predictive value of 80%. In summary, the available evidence is currently insufficient to determine the role of this variant in disease. Therefore, it has been classified as a Variant of Uncertain Significance.